The following is an entry in ClinVar:

NM_004855.5(PIGB):c.795-19T>G

Gene: PIGB (phosphatidylinositol glycan anchor biosynthesis class B; plus strand). Cytogenetic location: 15q21.3.
Variant type: single nucleotide variant.
Coding change: c.795-19T>G on transcript NM_004855.5 (MANE Select); 19 bases into the intron before coding-DNA position 795, T replaced by G.
Molecular consequence: intron variant.
Genome position (GRCh38, 1-based): chr15:55,339,248, T>G. VCF-style: chr15-55339248-T-G. GRCh37 (hg19) VCF-style: chr15-55631446-T-G.
Other names: IVS6, T-G, -19 (rs1469912999).
Identifiers: ClinVar variation 2005289 (VCV002005289.5), dbSNP rs1469912999, ClinGen allele CA713960833.

ClinVar aggregate classification (germline): Likely pathogenic. Review status: criteria provided, single submitter (1 of 4 stars). 2 submissions from 2 submitters: Likely pathogenic (1). 1 of the submissions does not count toward it. Last evaluated 2024-03-11.

Conditions:
Acrofrontofacionasal dysostosis 1 (AFFND1). Also called: AFFN DYSOSTOSIS 1; CLEFT LIP/PALATE WITH FRONTONASAL DYSOSTOSIS AND POSTAXIAL POLYSYNDACTYLY. Identifiers: MedGen C4551987, MONDO:0100044, OMIM 201180.

Allele frequency attached by ClinVar (database versions not stated): gnomAD exomes below 0.00001; TOPMed below 0.00001; gnomAD 0.00001.
gnomAD v4.1: 2 of 1,540,184 alleles (0.00013%); highest among the groups gnomAD compares: Non-Finnish European, 0.00018%; no homozygotes.

Submissions (2):

Labcorp Genetics (formerly Invitae), Labcorp
Classification: Likely pathogenic. Last evaluated: 2024-03-11. Review status: criteria provided, single submitter. Criteria: Invitae Variant Classification Sherloc (09022015). Collection method: clinical testing. Allele origin: germline.
Comment: This sequence change falls in intron 6 of the PIGB gene. It does not directly change the encoded amino acid sequence of the PIGB protein. RNA analysis indicates that this variant induces altered splicing and may result in an absent or disrupted protein product. This variant is not present in population databases (gnomAD no frequency). This variant has been observed in individuals with acrofrontofacionasal dysostosis type 1 (PMID: 34400385). ClinVar contains an entry for this variant (Variation ID: 2005289). Studies have shown that this variant results in skipping of exon 7 and introduces a premature termination codon (PMID: 34400385). The resulting mRNA is expected to undergo nonsense-mediated decay. In summary, the currently available evidence indicates that the variant is pathogenic, but additional data are needed to prove that conclusively. Therefore, this variant has been classified as Likely Pathogenic.

OMIM
Classification: Pathogenic for ACROFRONTOFACIONASAL DYSPLASIA 1. Last evaluated: 2026-08-17. Review status: no assertion criteria provided. Collection method: literature only. Allele origin: germline. Not counted in ClinVar's aggregate classification.

Literature cited by the submitters: PubMed 34400385 (cited by Labcorp Genetics (formerly Invitae), Labcorp and OMIM); PubMed 1481850 (cited by OMIM); PubMed 12749073 (cited by OMIM).